The following is an entry in ClinVar:

ClinVar aggregate classification (germline): Likely pathogenic (1 of 4 stars; one submission).

Conditions:
Primary dilated cardiomyopathy (DCM). Also called: Dilated Cardiomyopathy. Identifiers: Orphanet 217604, MedGen C0007193, MeSH D002311, MONDO:0005021, HP:0001644. Inheritance: Various modes of inheritance.

Submission:

Cardiovascular Biomedical Research Unit, Royal Brompton & Harefield NHS Foundation Trust
Classification: Likely pathogenic for Primary dilated cardiomyopathy. Last evaluated: 2014-10-08. Review status: criteria provided, single submitter. Criteria: Roberts et al. 2015. Collection method: research. Allele origin: germline. Inheritance: Autosomal dominant inheritance. Affected: yes. Observed: 1 variant allele. Study: Familial DCM.
Comment: In the seven cohorts assessed, TTNtv were found in 14% of ambulant DCM, 22% end-stage or familial DCM, and 2% controls. Heterozygous nonsense, frameshift and canonical splice-disrupting variants found in constitutive and other highly utilised exons are highly likely to be pathogenic when identified in individuals with phenotypically confirmed DCM. TTNtv found incidentally in healthy individuals (excluding familial assessment of DCM relatives) are thought to have low penetrance, particularly when identified in exons that are not constitutively expressed in the heart.

NM_001267550.2(TTN):c.65476G>T (p.Glu21826Ter)

Genes: TTN (titin; minus strand), TTN-AS1 (TTN antisense RNA 1; plus strand). Cytogenetic location: 2q31.2.
Variant type: single nucleotide variant.
Coding change: c.65476G>T on transcript NM_001267550.2 (MANE Select); coding-DNA position 65476, G replaced by T.
Protein change: p.Glu21826Ter; replaces glutamic acid 21826 with a stop codon.
Molecular consequence: nonsense. On other transcripts: non-coding transcript variant (1).
Genome position (GRCh38, 1-based): chr2:178,583,706, C>A on the plus strand (G>T on the coding strand, the complement: TTN is on the minus strand). VCF-style: chr2-178583706-C-A. GRCh37 (hg19) VCF-style: chr2-179448433-C-A.
Other names: c.60553G>T, p.Glu20185Ter (NM_001256850.1); c.38281G>T, p.Glu12761Ter (NM_003319.4); c.57772G>T, p.Glu19258Ter (NM_133378.4); c.38656G>T, p.Glu12886Ter (NM_133432.3); c.38857G>T, p.Glu12953Ter (NM_133437.4); c.65476G>T (LRG_391t1); short protein forms E21826*, E12886*, E20185*, E12761*, E12953*, E19258*.
Identifiers: ClinVar variation 223378 (VCV000223378.1), dbSNP rs763824247, ClinGen allele CA123887.
Genomic context (GRCh38, chr2:178,583,706, plus strand): 5'-AAGGTGGGCTAATGTTTACCGCGGTCCTGGCAATAGCTCTAAATTGATACTGAGCTTTCT[C>A]TTCTAGGCCAGTAGCTGTGTACTCTTCCTGGGGAATCTGGTGAGGTGCAGTATTGCACCG-3'